The following is an entry in ClinVar:

NM_152564.5(VPS13B):c.4285A>T (p.Thr1429Ser)

Gene: VPS13B (vacuolar protein sorting 13 homolog B; plus strand). Cytogenetic location: 8q22.2.
Variant type: single nucleotide variant.
Coding change: c.4285A>T on transcript NM_152564.5 (MANE Select); coding-DNA position 4285, A replaced by T.
Protein change: p.Thr1429Ser; replaces threonine 1429 with serine.
Molecular consequence: missense variant.
Genome position (GRCh38, 1-based): chr8:99,511,164, A>T. VCF-style: chr8-99511164-A-T. GRCh37 (hg19) VCF-style: chr8-100523392-A-T.
Other names: c.4360A>T, p.Thr1454Ser (NM_017890.5); c.4285A>T (NM_152564.4); short protein forms T1429S, T1454S.
Identifiers: ClinVar variation 1374886 (VCV001374886.6), dbSNP rs764653250, ClinGen allele CA4823511.

ClinVar aggregate classification (germline): Uncertain significance. Review status: criteria provided, multiple submitters, no conflicts (2 of 4 stars). 3 submissions from 3 submitters: Uncertain significance (3). Last evaluated 2026-06-10.

Conditions:
Cohen syndrome (COH1). Also called: Cutis verticis gyrata, retinitis pigmentosa, and sensorineural deafness; PEPPER SYNDROME. Identifiers: Orphanet 193, MedGen C0265223, MONDO:0008999, OMIM 216550.
VPS13B-related disorder. Also called: VPS13B-related condition.

Allele frequency attached by ClinVar (database versions not stated): gnomAD exomes 0.00003 and 0.00004; gnomAD 0.00004; TOPMed 0.00004; ExAC 0.00008.
gnomAD v4.1: 49 of 1,613,848 alleles (0.003%); highest among the groups gnomAD compares: Non-Finnish European, 0.0037%; no homozygotes.

Submissions (3):

PreventionGenetics, part of Exact Sciences
Classification: Uncertain significance for VPS13B-related condition. Last evaluated: 2026-06-10. Review status: criteria provided, single submitter. Criteria: ACMG Guidelines, 2015. Collection method: clinical testing. Allele origin: germline.
Comment: The VPS13B c.4285A>T variant is predicted to result in the amino acid substitution p.Thr1429Ser. To our knowledge, this variant has not been reported in the literature. This variant is reported in 0.0078% of alleles in individuals of European (Non-Finnish) descent in gnomAD. At this time, the clinical significance of this variant is uncertain due to the absence of conclusive functional and genetic evidence.

Labcorp Genetics (formerly Invitae), Labcorp
Classification: Uncertain significance for Cohen syndrome. Last evaluated: 2025-09-16. Review status: criteria provided, single submitter. Criteria: Invitae Variant Classification Sherloc (09022015). Collection method: clinical testing. Allele origin: germline.
Comment: This sequence change replaces threonine, which is neutral and polar, with serine, which is neutral and polar, at codon 1454 of the VPS13B protein (p.Thr1454Ser). This variant is present in population databases (rs764653250, gnomAD 0.008%). This variant has not been reported in the literature in individuals affected with VPS13B-related conditions. ClinVar contains an entry for this variant (Variation ID: 1374886). Invitae Evidence Modeling of protein sequence and biophysical properties (such as structural, functional, and spatial information, amino acid conservation, physicochemical variation, residue mobility, and thermodynamic stability) indicates that this missense variant is expected to disrupt VPS13B protein function with a positive predictive value of 80%. In summary, the available evidence is currently insufficient to determine the role of this variant in disease. Therefore, it has been classified as a Variant of Uncertain Significance.

Blueprint Genetics
Classification: Uncertain significance. Last evaluated: 2024-10-01. Review status: criteria provided, single submitter. Criteria: ACMG Guidelines, 2015. Collection method: clinical testing. Allele origin: germline.